The following is an entry in ClinVar:

ClinVar aggregate classification (germline): Uncertain significance (1 of 4 stars; one submission).

Conditions:
Glycogen storage disease, type VII (GSD7). Also called: TARUI DISEASE; GSD VII; MUSCLE PHOSPHOFRUCTOKINASE DEFICIENCY; PFKM DEFICIENCY. Identifiers: Orphanet 371, MedGen C0017926, MONDO:0009295, OMIM 232800.

Submission:

Labcorp Genetics (formerly Invitae), Labcorp
Classification: Uncertain significance for Glycogen storage disease, type VII. Last evaluated: 2023-08-14. Review status: criteria provided, single submitter. Criteria: Invitae Variant Classification Sherloc (09022015). Collection method: clinical testing. Allele origin: germline.
Comment: Advanced modeling of protein sequence and biophysical properties (such as structural, functional, and spatial information, amino acid conservation, physicochemical variation, residue mobility, and thermodynamic stability) performed at Invitae indicates that this missense variant is not expected to disrupt PFKM protein function. In summary, the available evidence is currently insufficient to determine the role of this variant in disease. Therefore, it has been classified as a Variant of Uncertain Significance. This variant has not been reported in the literature in individuals affected with PFKM-related conditions. This variant is not present in population databases (gnomAD no frequency). This sequence change replaces arginine, which is basic and polar, with cysteine, which is neutral and slightly polar, at codon 286 of the PFKM protein (p.Arg286Cys).

NM_000289.6(PFKM):c.856C>T (p.Arg286Cys)

Gene: PFKM (phosphofructokinase, muscle; plus strand). Cytogenetic location: 12q13.11.
Variant type: single nucleotide variant.
Coding change: c.856C>T on transcript NM_000289.6 (MANE Select); coding-DNA position 856, C replaced by T.
Protein change: p.Arg286Cys; replaces arginine 286 with cysteine.
Molecular consequence: missense variant. On other transcripts: non-coding transcript variant (6), intron variant (1).
Genome position (GRCh38, 1-based): chr12:48,135,303, C>T. VCF-style: chr12-48135303-C-T. GRCh37 (hg19) VCF-style: chr12-48529086-C-T.
Other names: c.1069C>T, p.Arg357Cys (NM_001166686.2, NM_001354737.1, NM_001354738.1 and 1 more transcripts); c.856C>T, p.Arg286Cys (NM_001166687.2, NM_001166688.2, NM_001354742.2 and 3 more transcripts); c.1165C>T, p.Arg389Cys (NM_001354735.1, NM_001354736.1); c.1000C>T, p.Arg334Cys (NM_001354740.1); c.880C>T, p.Arg294Cys (NM_001354741.2); c.769C>T, p.Arg257Cys (NM_001354745.2); c.706C>T, p.Arg236Cys (NM_001354747.2, NM_001354748.2); c.843+265C>T (NM_001363619.2); short protein forms R236C, R286C, R389C, R334C, R257C, R294C, R357C.
Identifiers: ClinVar variation 2732235 (VCV002732235.3), dbSNP rs2498389508, ClinGen allele CA384545665.